The following is an entry in ClinVar:

ClinVar aggregate classification (germline): Conflicting classifications of pathogenicity. Review status: criteria provided, conflicting classifications (1 of 4 stars). 6 submissions from 6 submitters: Uncertain significance (2); Likely benign (2). 2 of the submissions do not count toward it. Last evaluated 2025-03-25.

Conditions:
Cardiovascular phenotype. Identifiers: MedGen CN230736.
Monogenic diabetes. Identifiers: Orphanet 183625, MedGen C3888631, MONDO:0015967.
Alstrom syndrome (ALMS). Identifiers: Orphanet 64, MedGen C0268425, MONDO:0008763, OMIM 203800.

Allele frequency attached by ClinVar (database versions not stated): gnomAD 0.00003; TOPMed 0.00004; ESP Exome Variant Server 0.00017.
gnomAD v4.1: 250 of 1,614,040 alleles (0.015%); highest among the groups gnomAD compares: Non-Finnish European, 0.02%; no homozygotes.

Submissions (6):

Ambry Genetics
Classification: Likely benign for Cardiovascular phenotype. Last evaluated: 2025-03-25. Review status: criteria provided, single submitter. Criteria: Ambry Variant Classification Scheme 2023. Collection method: clinical testing. Allele origin: germline.

Labcorp Genetics (formerly Invitae), Labcorp
Classification: Uncertain significance for Alstrom syndrome. Last evaluated: 2022-07-04. Review status: criteria provided, single submitter. Criteria: Invitae Variant Classification Sherloc (09022015). Collection method: clinical testing. Allele origin: germline.
Comment: This sequence change replaces histidine, which is basic and polar, with asparagine, which is neutral and polar, at codon 2754 of the ALMS1 protein (p.His2754Asn). This variant is present in population databases (rs200718841, gnomAD 0.01%). This variant has not been reported in the literature in individuals affected with ALMS1-related conditions. ClinVar contains an entry for this variant (Variation ID: 393376). In summary, the available evidence is currently insufficient to determine the role of this variant in disease. Therefore, it has been classified as a Variant of Uncertain Significance.

Personalized Diabetes Medicine Program, University of Maryland School of Medicine
Classification: Likely benign for Monogenic diabetes. Last evaluated: 2016-06-07. Review status: criteria provided, single submitter. Criteria: ACMG Guidelines, 2015. Collection method: research. Allele origin: unknown. Observed: 1 variant allele, 1 heterozygote.
Comment: ACMG Criteria: PP3, BP1, BP4

Clinical Genomics, Uppaluri K&H Personalized Medicine Clinic
Classification: Uncertain significance for Alstrom syndrome. Review status: criteria provided, single submitter. Criteria: K & H Uppaluri Personalized Medicine Clinic Variant Classification & Assertion Criteria_Updated V.1. Collection method: research. Allele origin: unknown. Inheritance: Autosomal recessive inheritance.
Comment: Potent mutations in ALMS1 are associated with a rare condition called Alstrom syndrome. It can cause excessive eating, insulin resistance. However, no evidence is found to ascertain the role of rs200718841 in Alstrom syndrome yet.

Natera, Inc.
Classification: Uncertain significance for Alstrom syndrome. Last evaluated: 2021-08-23. Review status: no assertion criteria provided. Collection method: clinical testing. Allele origin: germline. Not counted in ClinVar's aggregate classification.

Counsyl
Classification: Uncertain significance for Alstrom syndrome. Last evaluated: 2017-06-23. Review status: no assertion criteria provided. Collection method: clinical testing. Allele origin: unknown. Not counted in ClinVar's aggregate classification.

Literature cited by the submitters: PubMed 34148947 (cited by Clinical Genomics, Uppaluri K&H Personalized Medicine Clinic); PubMed 25846608 (cited by Clinical Genomics, Uppaluri K&H Personalized Medicine Clinic); PubMed 30421101 (cited by Clinical Genomics, Uppaluri K&H Personalized Medicine Clinic); PubMed 33669459 (cited by Clinical Genomics, Uppaluri K&H Personalized Medicine Clinic).

NM_001378454.1(ALMS1):c.8257C>A (p.His2753Asn)

Gene: ALMS1 (ALMS1 centrosome and basal body associated protein; plus strand). Cytogenetic location: 2p13.1.
Variant type: single nucleotide variant.
Coding change: c.8257C>A on transcript NM_001378454.1 (MANE Select); coding-DNA position 8257, C replaced by A.
Protein change: p.His2753Asn; replaces histidine 2753 with asparagine.
Molecular consequence: missense variant.
Genome position (GRCh38, 1-based): chr2:73,490,216, C>A. VCF-style: chr2-73490216-C-A. GRCh37 (hg19) VCF-style: chr2-73717343-C-A.
Other names: c.8260C>A, p.His2754Asn (NM_015120.4); short protein forms H2754N, H2753N.
Identifiers: ClinVar variation 393376 (VCV000393376.14), dbSNP rs200718841, ClinGen allele CA1714432.